The following is an entry in ClinVar:

NM_005219.5(DIAPH1):c.2358+6del

Gene: DIAPH1 (diaphanous related formin 1; minus strand). Cytogenetic location: 5q31.3.
Variant type: Deletion.
Coding change: c.2358+6del on transcript NM_005219.5 (MANE Select); 6 bases into the intron after coding-DNA position 2358, one base deleted (A; older notation c.2358+6delA).
Molecular consequence: intron variant.
Genome position (GRCh38, 1-based): chr5:141,573,486, T deleted on the plus strand (A on the coding strand, the reverse complement: DIAPH1 is on the minus strand). VCF-style (leftmost placement, unchanged base first): chr5-141573485-CT-C. GRCh37 (hg19) VCF-style: chr5-140953052-CT-C.
Other names: c.2331+6del (NM_001079812.3); c.2358+6del (NM_001314007.2).
Identifiers: ClinVar variation 3758210 (VCV003758210.2).

ClinVar aggregate classification (germline): Uncertain significance (1 of 4 stars; one submission).

Conditions:
Autosomal dominant nonsyndromic hearing loss 1. Also called: KONIGSMARK SYNDROME; DEAFNESS, AUTOSOMAL DOMINANT 1, WITH OR WITHOUT THROMBOCYTOPENIA. Identifiers: Orphanet 90635, MedGen C1852282, MONDO:0007424, OMIM 124900.
Progressive microcephaly-seizures-cortical blindness-developmental delay syndrome. Also called: Seizures, cortical blindness, and microcephaly syndrome. Identifiers: Orphanet 477814, MedGen C5567650, MONDO:0014714, OMIM 616632.

Submission:

Labcorp Genetics (formerly Invitae), Labcorp
Classification: Uncertain significance for Progressive microcephaly-seizures-cortical blindness-developmental delay syndrome; Autosomal dominant nonsyndromic hearing loss 1. Last evaluated: 2024-05-02. Review status: criteria provided, single submitter. Criteria: Invitae Variant Classification Sherloc (09022015). Collection method: clinical testing. Allele origin: germline.
Comment: This sequence change falls in intron 16 of the DIAPH1 gene. It does not directly change the encoded amino acid sequence of the DIAPH1 protein. It affects a nucleotide within the consensus splice site. This variant is present in population databases (no rsID available, gnomAD 0.003%). This variant has not been reported in the literature in individuals affected with DIAPH1-related conditions. Variants that disrupt the consensus splice site are a relatively common cause of aberrant splicing (PMID: 17576681, 9536098). Algorithms developed to predict the effect of sequence changes on RNA splicing suggest that this variant is not likely to affect RNA splicing. In summary, the available evidence is currently insufficient to determine the role of this variant in disease. Therefore, it has been classified as a Variant of Uncertain Significance.

Literature cited by the submitters: PubMed 17576681; PubMed 9536098.